The following is an entry in ClinVar:

ClinVar aggregate classification (germline): Uncertain significance (1 of 4 stars; one submission).

gnomAD v4.1: 1 of 1,614,166 alleles (0.000062%); highest among the groups gnomAD compares: African/African-American, 0.0013%; no homozygotes.

Submission:

Labcorp Genetics (formerly Invitae), Labcorp
Classification: Uncertain significance. Last evaluated: 2024-07-01. Review status: criteria provided, single submitter. Criteria: Invitae Variant Classification Sherloc (09022015). Collection method: clinical testing. Allele origin: germline.
Comment: This sequence change replaces cysteine, which is neutral and slightly polar, with serine, which is neutral and polar, at codon 2060 of the IGSF10 protein (p.Cys2060Ser). This variant is not present in population databases (gnomAD no frequency). This variant has not been reported in the literature in individuals affected with IGSF10-related conditions. An algorithm developed to predict the effect of missense changes on protein structure and function (PolyPhen-2) suggests that this variant is likely to be disruptive. In summary, the available evidence is currently insufficient to determine the role of this variant in disease. Therefore, it has been classified as a Variant of Uncertain Significance.

NM_178822.5(IGSF10):c.6178T>A (p.Cys2060Ser)

Gene: IGSF10 (immunoglobulin superfamily member 10; minus strand). Cytogenetic location: 3q25.1.
Variant type: single nucleotide variant.
Coding change: c.6178T>A on transcript NM_178822.5 (MANE Select); coding-DNA position 6178, T replaced by A.
Protein change: p.Cys2060Ser; replaces cysteine 2060 with serine.
Molecular consequence: missense variant.
Genome position (GRCh38, 1-based): chr3:151,438,383, A>T on the plus strand (T>A on the coding strand, the complement: IGSF10 is on the minus strand). VCF-style: chr3-151438383-A-T. GRCh37 (hg19) VCF-style: chr3-151156171-A-T.
Other names: c.115T>A, p.Cys39Ser (NM_001178145.3, NM_001178146.3); c.6178T>A, p.Cys2060Ser (NM_001385060.1, NM_001385061.1, NM_001385062.1 and 1 more transcripts); short protein forms C39S, C2060S.
Identifiers: ClinVar variation 3686323 (VCV003686323.2).